The following is an entry in ClinVar:

NM_002458.3(MUC5B):c.9927G>A (p.Pro3309=)

Genes: MUC5B (mucin 5B, oligomeric mucus/gel-forming; plus strand), MUC5B-AS1 (MUC5B antisense RNA 1; minus strand). Cytogenetic location: 11p15.5.
Variant type: single nucleotide variant.
Coding change: c.9927G>A on transcript NM_002458.3 (MANE Select); coding-DNA position 9927, G replaced by A.
Protein change: p.Pro3309=; no amino-acid change (proline 3309 retained).
Molecular consequence: synonymous variant.
Genome position (GRCh38, 1-based): chr11:1,246,807, G>A. VCF-style: chr11-1246807-G-A. GRCh37 (hg19) VCF-style: chr11-1268037-G-A.
Identifiers: ClinVar variation 2641261 (VCV002641261.24), dbSNP rs533261138, ClinGen allele CA5807182.

ClinVar aggregate classification (germline): Likely benign (1 of 4 stars; one submission).

Allele frequency attached by ClinVar (database versions not stated): ExAC 0.00049; 1000 Genomes Project 0.00839.

Submission:

CeGaT Center for Human Genetics Tuebingen
Classification: Likely benign. Last evaluated: 2022-12-01. Review status: criteria provided, single submitter. Criteria: CeGaT Center For Human Genetics Tuebingen Variant Classification Criteria Version 2. Collection method: clinical testing. Allele origin: germline. Affected: yes. Observed: 1 variant allele.
Comment: MUC5B: BP4, BP7